The following is an entry in ClinVar:

ClinVar aggregate classification (germline): Pathogenic (1 of 4 stars; one submission).

Conditions:
Early-infantile DEE. Also called: Early infantile epileptic encephalopathy with suppression bursts; Early infantile epileptic encephalopathy; Ohtahara syndrome. Identifiers: Orphanet 1934, MedGen C0393706, MONDO:0800491.

Submission:

Labcorp Genetics (formerly Invitae), Labcorp
Classification: Pathogenic for Early-infantile DEE. Last evaluated: 2022-02-03. Review status: criteria provided, single submitter. Criteria: Invitae Variant Classification Sherloc (09022015). Collection method: clinical testing. Allele origin: germline.
Comment: For these reasons, this variant has been classified as Pathogenic. This variant disrupts the p.Cys1741 amino acid residue in SCN1A. Other variant(s) that disrupt this residue have been observed in individuals with SCN1A-related conditions (PMID: 23195492, 23934111), which suggests that this may be a clinically significant amino acid residue. Advanced modeling of protein sequence and biophysical properties (such as structural, functional, and spatial information, amino acid conservation, physicochemical variation, residue mobility, and thermodynamic stability) performed at Invitae indicates that this missense variant is expected to disrupt SCN1A protein function. ClinVar contains an entry for this variant (Variation ID: 577486). This missense change has been observed in individual(s) with Lennox-Gastaut Syndrome (PMID: 23934111, 29186148). In at least one individual the variant was observed to be de novo. This variant is not present in population databases (gnomAD no frequency). This sequence change replaces cysteine, which is neutral and slightly polar, with serine, which is neutral and polar, at codon 1741 of the SCN1A protein (p.Cys1741Ser).

Literature cited by the submitters: PubMed 23195492; PubMed 23934111; PubMed 29186148.

NM_001165963.4(SCN1A):c.5222G>C (p.Cys1741Ser)

Genes: SCN1A (sodium voltage-gated channel alpha subunit 1; minus strand), LOC102724058 (uncharacterized LOC102724058; plus strand). Cytogenetic location: 2q24.3.
Variant type: single nucleotide variant.
Coding change: c.5222G>C on transcript NM_001165963.4 (MANE Select); coding-DNA position 5222, G replaced by C.
Protein change: p.Cys1741Ser; replaces cysteine 1741 with serine.
Molecular consequence: missense variant. On other transcripts: non-coding transcript variant (1).
Genome position (GRCh38, 1-based): chr2:165,992,053, C>G on the plus strand (G>C on the coding strand, the complement: SCN1A is on the minus strand). VCF-style: chr2-165992053-C-G. GRCh37 (hg19) VCF-style: chr2-166848563-C-G.
Other names: c.5138G>C, p.Cys1713Ser (NM_001165964.3, NM_001353957.2, NM_001353958.2); c.5222G>C, p.Cys1741Ser (NM_001202435.3, NM_001353948.2); c.5189G>C, p.Cys1730Ser (NM_001353949.2, NM_001353950.2, NM_001353951.2 and 2 more transcripts); c.5186G>C, p.Cys1729Ser (NM_001353954.2, NM_001353955.2); c.5135G>C, p.Cys1712Ser (NM_001353960.2); c.2780G>C, p.Cys927Ser (NM_001353961.2); short protein forms C1730S, C1741S, C1729S, C927S, C1712S, C1713S.
Identifiers: ClinVar variation 577486 (VCV000577486.9), dbSNP rs794726763, ClinGen allele CA349068523.
Genomic context (GRCh38, chr2:165,992,053, plus strand): 5'-ACAGATGGGTTCCCACAGTCTCCCTTAACTGAGCTTCCAGGGTTAACTTTATTAGGGTCA[C>G]AGTCGGGTGGCTTACTGTTGAGAATGGGTGCTAGCAATCCATCCCAGCCAGCAGAGGTTG-3'
Protein context (NP_001159435.1, residues 1731-1751): APILNSKPPD[Cys1741Ser]DPNKVNPGSS